The following is an entry in ClinVar:

ClinVar aggregate classification (germline): Conflicting classifications of pathogenicity. Review status: criteria provided, conflicting classifications (1 of 4 stars). 3 submissions from 3 submitters: Uncertain significance (2); Likely benign (1). Last evaluated 2025-02-19.

Conditions:
Cardiovascular phenotype. Identifiers: MedGen CN230736.
Catecholaminergic polymorphic ventricular tachycardia 1. Also called: RYR2-Related Catecholaminergic Polymorphic Ventricular Tachycardia; VENTRICULAR TACHYCARDIA, STRESS-INDUCED POLYMORPHIC 1; VENTRICULAR TACHYCARDIA, CATECHOLAMINERGIC POLYMORPHIC, 1, WITH OR WITHOUT ATRIAL DYSFUNCTION AND/OR DILATED CARDIOMYOPATHY. Identifiers: Orphanet 3286, MedGen C1631597, MONDO:0011484, OMIM 604772.

Allele frequency attached by ClinVar (database versions not stated): ExAC 0.00001; gnomAD exomes 0.00001 and 0.00002; gnomAD 0.00003; TOPMed 0.00004.
gnomAD v4.1: 20 of 1,592,588 alleles (0.0013%); highest among the groups gnomAD compares: Non-Finnish European, 0.0017%; no homozygotes.

Submissions (3):

Ambry Genetics
Classification: Likely benign for Cardiovascular phenotype. Last evaluated: 2025-02-19. Review status: criteria provided, single submitter. Criteria: Ambry Variant Classification Scheme 2023. Collection method: clinical testing. Allele origin: germline.

CeGaT Center for Human Genetics Tuebingen
Classification: Uncertain significance. Last evaluated: 2024-10-01. Review status: criteria provided, single submitter. Criteria: CeGaT Center For Human Genetics Tuebingen Variant Classification Criteria Version 2. Collection method: clinical testing. Allele origin: germline. Affected: yes. Observed: 1 variant allele.
Comment: TRDN: PM2, BP4

Labcorp Genetics (formerly Invitae), Labcorp
Classification: Uncertain significance for Catecholaminergic polymorphic ventricular tachycardia 1. Last evaluated: 2021-09-02. Review status: criteria provided, single submitter. Criteria: Invitae Variant Classification Sherloc (09022015). Collection method: clinical testing. Allele origin: germline.
Comment: This sequence change replaces glutamic acid with glycine at codon 340 of the TRDN protein (p.Glu340Gly). The glutamic acid residue is weakly conserved and there is a moderate physicochemical difference between glutamic acid and glycine. This variant is present in population databases (rs745751151, ExAC 0.003%). This variant has not been reported in the literature in individuals affected with TRDN-related conditions. ClinVar contains an entry for this variant (Variation ID: 519366). Algorithms developed to predict the effect of missense changes on protein structure and function are either unavailable or do not agree on the potential impact of this missense change (SIFT: "Deleterious"; PolyPhen-2: "Possibly Damaging"; Align-GVGD: "Class C0"). In summary, the available evidence is currently insufficient to determine the role of this variant in disease. Therefore, it has been classified as a Variant of Uncertain Significance.

NM_006073.4(TRDN):c.1019A>G (p.Glu340Gly)

Gene: TRDN (triadin; minus strand). Cytogenetic location: 6q22.31.
Variant type: single nucleotide variant.
Coding change: c.1019A>G on transcript NM_006073.4 (MANE Select); coding-DNA position 1019, A replaced by G.
Protein change: p.Glu340Gly; replaces glutamic acid 340 with glycine.
Molecular consequence: missense variant.
Genome position (GRCh38, 1-based): chr6:123,438,095, T>C on the plus strand (A>G on the coding strand, the complement: TRDN is on the minus strand). VCF-style: chr6-123438095-T-C. GRCh37 (hg19) VCF-style: chr6-123759240-T-C.
Other names: c.1022A>G, p.Glu341Gly (NM_001251987.2); short protein forms E340G, E341G.
Identifiers: ClinVar variation 519366 (VCV000519366.38), dbSNP rs745751151, ClinGen allele CA3984176.
Genomic context (GRCh38, chr6:123,438,095, plus strand): 5'-ATCTAAGGAAACAAAGAAAGTGCAATACCTTTTTTTTCCACATCAATGGCAGTTTCCTTC[T>C]CACTTTTCTTTTTGATATCTTCTTTTTCTGCTGGTAAAATAAGAAAGTTATAAGCCTTTA-3'
Protein context (NP_006064.2, residues 330-350): KEKEDIKKKS[Glu340Gly]KETAIDVEKK